The following is an entry in ClinVar:

NM_001042681.2(RERE):c.2340G>A (p.Thr780=)

Gene: RERE (arginine-glutamic acid dipeptide repeats; minus strand). Cytogenetic location: 1p36.23.
Variant type: single nucleotide variant.
Coding change: c.2340G>A on transcript NM_001042681.2 (MANE Select); coding-DNA position 2340, G replaced by A.
Protein change: p.Thr780=; no amino-acid change (threonine 780 retained).
Molecular consequence: synonymous variant.
Genome position (GRCh38, 1-based): chr1:8,361,167, C>T on the plus strand (G>A on the coding strand, the complement: RERE is on the minus strand). VCF-style: chr1-8361167-C-T. GRCh37 (hg19) VCF-style: chr1-8421227-C-T.
Other names: c.678G>A, p.Thr226= (NM_001042682.2); c.2340G>A, p.Thr780= (NM_012102.4).
Identifiers: ClinVar variation 4084283 (VCV004084283.9).

ClinVar aggregate classification (germline): Likely benign. Review status: criteria provided, multiple submitters, no conflicts (2 of 4 stars). 2 submissions from 2 submitters: Likely benign (2). Last evaluated 2025-08-01.

gnomAD v4.1: 85 of 1,452,986 alleles (0.0059%); highest among the groups gnomAD compares: Non-Finnish European, 0.0074%; no homozygotes.

Submissions (2):

CeGaT Center for Human Genetics Tuebingen
Classification: Likely benign. Last evaluated: 2025-08-01. Review status: criteria provided, single submitter. Criteria: CeGaT Center For Human Genetics Tuebingen Variant Classification Criteria Version 2. Collection method: clinical testing. Allele origin: germline. Affected: yes. Observed: 1 variant allele.
Comment: RERE: BP4, BP7

Blueprint Genetics
Classification: Likely benign. Last evaluated: 2024-06-03. Review status: criteria provided, single submitter. Criteria: ACMG Guidelines, 2015. Collection method: clinical testing. Allele origin: germline.